The following is an entry in ClinVar:

ClinVar aggregate classification (germline): Uncertain significance (1 of 4 stars; one submission).

Conditions:
Familial adenomatous polyposis 1 (FAP1). Also called: FAMILIAL ADENOMATOUS POLYPOSIS 1, ATTENUATED; POLYPOSIS, ADENOMATOUS INTESTINAL. Identifiers: MedGen C2713442, MONDO:0021056, OMIM 175100. Disease mechanism: loss of function.

Allele frequency attached by ClinVar (database versions not stated): gnomAD exomes below 0.00001.
gnomAD v4.1: 1 of 718,328 alleles (0.00014%); highest among the groups gnomAD compares: Non-Finnish European, 0.00021%; no homozygotes.

Submission:

Labcorp Genetics (formerly Invitae), Labcorp
Classification: Uncertain significance for Familial adenomatous polyposis 1. Last evaluated: 2019-11-01. Review status: criteria provided, single submitter. Criteria: Invitae Variant Classification Sherloc (09022015). Collection method: clinical testing. Allele origin: germline.
Comment: This variant occurs in a non-coding region of the APC gene. It does not change the encoded amino acid sequence of the APC protein. The frequency data for this variant in the population databases is considered unreliable, as metrics indicate insufficient coverage at this position in the ExAC database. This variant has not been reported in the literature in individuals with APC-related conditions. Experimental studies and prediction algorithms are not available for this variant, and the functional significance of this non-coding change is currently unknown. In summary, the available evidence is currently insufficient to determine the role of this variant in disease. Therefore, it has been classified as a Variant of Uncertain Significance.

NM_001127511.3(APC):c.-155C>A

Gene: APC (APC regulator of Wnt signaling pathway; plus strand). Cytogenetic location: 5q22.2.
Variant type: single nucleotide variant.
Coding change: c.-155C>A on transcript NM_001127511.3; 155 bases upstream of the start codon, C replaced by A.
Molecular consequence: 5 prime UTR variant. On other transcripts: non-coding transcript variant (2).
Genome position (GRCh38, 1-based): chr5:112,707,563, C>A. VCF-style: chr5-112707563-C-A. GRCh37 (hg19) VCF-style: chr5-112043260-C-A.
Other names: c.-338C>A (NM_001354895.2, NM_001407447.1, NM_001407452.1 and 3 more transcripts); c.-155C>A (NM_001354897.2, NM_001354902.2, NM_001407446.1); c.-105C>A (NM_001407448.1, NM_001407450.1, NM_001407457.1 and 1 more transcripts); c.-129C>A (NM_001407453.1); c.-1373C>A (NM_001407470.1, NM_001407472.1).
Identifiers: ClinVar variation 1001144 (VCV001001144.9), dbSNP rs1750576936, ClinGen allele CA1573442447.